The following is an entry in ClinVar:

ClinVar aggregate classification (germline): Benign (1 of 4 stars; one submission).

Conditions:
Colorectal cancer, susceptibility to, 1. Also called: COLORECTAL ADENOMA AND CANCER, SUSCEPTIBILITY TO; COLORECTAL CANCER, SUSCEPTIBILITY TO, ON CHROMOSOME 9. Identifiers: MedGen C1837315, MONDO:0012132, OMIM 608812.

Submission:

Myriad Genetics, Inc.
Classification: Benign for Colorectal cancer, susceptibility to, 1. Last evaluated: 2026-04-23. Review status: criteria provided, single submitter. Criteria: Myriad Autosomal Dominant, Autosomal Recessive and X-Linked Classification Criteria (2023). Collection method: clinical testing. Allele origin: unknown.
Comment: This variant is considered benign. This variant is a silent/synonymous amino acid change and it is not expected to impact splicing.

NM_024642.5(GALNT12):c.519T>A (p.Leu173=)

Gene: GALNT12 (polypeptide N-acetylgalactosaminyltransferase 12; plus strand). Cytogenetic location: 9q22.33.
Variant type: single nucleotide variant.
Coding change: c.519T>A on transcript NM_024642.5 (MANE Select); coding-DNA position 519, T replaced by A.
Protein change: p.Leu173=; no amino-acid change (leucine 173 retained).
Molecular consequence: synonymous variant.
Genome position (GRCh38, 1-based): chr9:98,823,403, T>A. VCF-style: chr9-98823403-T-A. GRCh37 (hg19) VCF-style: chr9-101585685-T-A.
Identifiers: ClinVar variation 4876210 (VCV004876210.1).